The following is an entry in ClinVar:

ClinVar aggregate classification (germline): Conflicting classifications of pathogenicity. Review status: criteria provided, conflicting classifications (1 of 4 stars). 3 submissions from 3 submitters: Likely pathogenic (1); Uncertain significance (2). Last evaluated 2026-07-27.

Conditions:
Hereditary cancer-predisposing syndrome. Also called: Neoplastic Syndromes, Hereditary; Tumor predisposition; Hereditary neoplastic syndrome; Hereditary Cancer Syndrome. Identifiers: Orphanet 140162, MedGen C0027672, MeSH D009386, MONDO:0015356.
Familial adenomatous polyposis 2. Also called: MYH-associated polyposis; MUTYH Polyposis; MUTYH-related attenuated familial adenomatous polyposis; COLORECTAL ADENOMATOUS POLYPOSIS, AUTOSOMAL RECESSIVE; Adenomas, multiple colorectal; ADENOMAS, MULTIPLE COLORECTAL, AUTOSOMAL RECESSIVE. Identifiers: Orphanet 220460, Orphanet 247798, MedGen C3272841, MONDO:0012041, OMIM 608456.

Submissions (3):

Myriad Genetics, Inc.
Classification: Likely pathogenic for Familial adenomatous polyposis 2. Last evaluated: 2026-07-27. Review status: criteria provided, single submitter. Criteria: Myriad Autosomal Dominant, Autosomal Recessive and X-Linked Classification Criteria (2023). Collection method: clinical testing. Allele origin: unknown.
Comment: This variant is considered likely pathogenic. This variant has been reported in multiple individuals with clinical features of gene-specific disease [Myriad internal data]. Functional studies indicate this variant impacts protein function [PMID: 40738107]. This variant is expected to disrupt protein structure [Myriad internal data].

Labcorp Genetics (formerly Invitae), Labcorp
Classification: Uncertain significance for Familial adenomatous polyposis 2. Last evaluated: 2019-10-23. Review status: criteria provided, single submitter. Criteria: Invitae Variant Classification Sherloc (09022015). Collection method: clinical testing. Allele origin: germline.
Comment: In summary, the available evidence is currently insufficient to determine the role of this variant in disease. Therefore, it has been classified as a Variant of Uncertain Significance. Algorithms developed to predict the effect of missense changes on protein structure and function (SIFT, PolyPhen-2, Align-GVGD) all suggest that this variant is likely to be disruptive, but these predictions have not been confirmed by published functional studies and their clinical significance is uncertain. This variant has been observed in individual(s) with clinical features of MUTYH-associated polyposis (Invitae). In at least one individual the data is consistent with the variant being in trans (on the opposite chromosome) from a pathogenic variant. ClinVar contains an entry for this variant (Variation ID: 141708). This variant is not present in population databases (ExAC no frequency). This sequence change replaces asparagine with lysine at codon 279 of the MUTYH protein (p.Asn279Lys). The asparagine residue is highly conserved and there is a moderate physicochemical difference between asparagine and lysine.

Ambry Genetics
Classification: Uncertain significance for Hereditary cancer-predisposing syndrome. Last evaluated: 2014-03-28. Review status: criteria provided, single submitter. Criteria: Ambry Autosomal Dominant and X-Linked criteria (10/2015). Collection method: clinical testing. Allele origin: germline. Observed: 1 variant allele.
Comment: The p.N279K variant (also known as c.837C>A), located in coding exon 10 of the MUTYH gene, results from a C to A substitution at nucleotide position 837. The asparagine at codon 279 is replaced by lysine, an amino acid with similar properties. This variant was not reported in population based cohorts in the following databases: Database of Single Nucleotide Polymorphisms (dbSNP), NHLBI Exome Sequencing Project (ESP), and 1000 Genomes Project. To date, this alteration has been detected with an allele frequency of approximately 0.005% (greater than 21000 alleles tested) in our clinical cohort (includes this individual). This amino acid position is highly conserved in available vertebrate species. In addition, this alteration is predicted to be probably damaging and deleterious by PolyPhen and SIFT in silico analyses, respectively. Since supporting evidence is limited at this time, the clinical significance of p.N279K remains unclear.

Literature cited by the submitters: PubMed 40738107 (cited by Myriad Genetics, Inc.).

NM_001048174.2(MUTYH):c.753C>A (p.Asn251Lys)

Gene: MUTYH (mutY DNA glycosylase; minus strand). Cytogenetic location: 1p34.1.
Variant type: single nucleotide variant.
Coding change: c.753C>A on transcript NM_001048174.2 (MANE Select); coding-DNA position 753, C replaced by A.
Protein change: p.Asn251Lys; replaces asparagine 251 with lysine.
Molecular consequence: missense variant. On other transcripts: non-coding transcript variant (2).
Genome position (GRCh38, 1-based): chr1:45,332,262, G>T on the plus strand (C>A on the coding strand, the complement: MUTYH is on the minus strand). VCF-style: chr1-45332262-G-T. GRCh37 (hg19) VCF-style: chr1-45797934-G-T.
Other names: c.753C>A, p.Asn251Lys (NM_001048171.2, NM_001048173.2, NM_001293195.2); c.756C>A, p.Asn252Lys (NM_001048172.2); c.837C>A, p.Asn279Lys (NM_001128425.2); c.798C>A, p.Asn266Lys (NM_001293190.2); c.786C>A, p.Asn262Lys (NM_001293191.2); c.477C>A, p.Asn159Lys (NM_001293192.2, NM_001293196.2); c.408C>A, p.Asn136Lys (NM_001350650.2, NM_001350651.2); c.828C>A, p.Asn276Lys (NM_012222.3); short protein forms N279K, N136K, N159K, N262K, N276K, N251K, N266K, N252K.
Identifiers: ClinVar variation 141708 (VCV000141708.14), dbSNP rs587781953, ClinGen allele CA014451.